The following is an entry in ClinVar:

ClinVar aggregate classification (germline): Uncertain significance. Review status: criteria provided, multiple submitters, no conflicts (2 of 4 stars). 3 submissions from 3 submitters: Uncertain significance (3). Last evaluated 2025-10-31.

Conditions:
Deficiency of alpha-mannosidase (MANSA). Also called: LYSOSOMAL ALPHA-D-MANNOSIDASE DEFICIENCY; Mannosidosis, alpha-, types I and II; Alpha-Mannosidosis. Identifiers: Orphanet 61, MedGen C0024748, MONDO:0009561, OMIM 248500.

Allele frequency attached by ClinVar (database versions not stated): gnomAD exomes below 0.00001; ExAC 0.00001.
gnomAD v4.1: 1 of 1,613,672 alleles (0.000062%); highest among the groups gnomAD compares: Admixed American, 0.0017%; no homozygotes.

Submissions (3):

Labcorp Genetics (formerly Invitae), Labcorp
Classification: Uncertain significance for Deficiency of alpha-mannosidase. Last evaluated: 2025-10-31. Review status: criteria provided, single submitter. Criteria: Invitae Variant Classification Sherloc (09022015). Collection method: clinical testing. Allele origin: germline.
Comment: This sequence change replaces glycine, which is neutral and non-polar, with arginine, which is basic and polar, at codon 840 of the MAN2B1 protein (p.Gly840Arg). This variant is present in population databases (rs752079394, gnomAD 0.003%). This missense change has been observed in individual(s) with clinical features of alpha mannosidosis (internal data). ClinVar contains an entry for this variant (Variation ID: 1447872). Invitae Evidence Modeling of protein sequence and biophysical properties (such as structural, functional, and spatial information, amino acid conservation, physicochemical variation, residue mobility, and thermodynamic stability) has been performed for this missense variant. However, the output from this modeling did not meet the statistical confidence thresholds required to predict the impact of this variant on MAN2B1 protein function. In summary, the available evidence is currently insufficient to determine the role of this variant in disease. Therefore, it has been classified as a Variant of Uncertain Significance.

GeneDx
Classification: Uncertain significance. Last evaluated: 2024-03-30. Review status: criteria provided, single submitter. Criteria: GeneDx Variant Classification Process June 2021. Collection method: clinical testing. Allele origin: germline. Affected: yes.
Comment: Not observed at significant frequency in large population cohorts (gnomAD); In silico analysis supports that this missense variant has a deleterious effect on protein structure/function; Has not been previously published as pathogenic or benign to our knowledge

Mayo Clinic Laboratories, Mayo Clinic
Classification: Uncertain significance. Last evaluated: 2022-05-17. Review status: criteria provided, single submitter. Criteria: ACMG Guidelines, 2015. Collection method: clinical testing. Allele origin: germline. Observed: 1 variant allele.
Comment: PP3, PM2

NM_000528.4(MAN2B1):c.2518G>C (p.Gly840Arg)

Gene: MAN2B1 (mannosidase alpha class 2B member 1; minus strand). Cytogenetic location: 19p13.13.
Variant type: single nucleotide variant.
Coding change: c.2518G>C on transcript NM_000528.4 (MANE Select); coding-DNA position 2518, G replaced by C.
Protein change: p.Gly840Arg; replaces glycine 840 with arginine.
Molecular consequence: missense variant.
Genome position (GRCh38, 1-based): chr19:12,648,321, C>G on the plus strand (G>C on the coding strand, the complement: MAN2B1 is on the minus strand). VCF-style: chr19-12648321-C-G. GRCh37 (hg19) VCF-style: chr19-12759135-C-G.
Other names: p.Gly840Arg; c.2515G>C, p.Gly839Arg (NM_001173498.2); c.2518G>C (NM_000528.3); short protein forms G839R, G840R.
Identifiers: ClinVar variation 1447872 (VCV001447872.10), dbSNP rs752079394, ClinGen allele CA9225992.